The following is an entry in ClinVar:

NM_001102608.3(COL6A6):c.1075G>A (p.Gly359Ser)

Gene: COL6A6 (collagen type VI alpha 6 chain; plus strand). Cytogenetic location: 3q22.1.
Variant type: single nucleotide variant.
Coding change: c.1075G>A on transcript NM_001102608.3 (MANE Select); coding-DNA position 1075, G replaced by A.
Protein change: p.Gly359Ser; replaces glycine 359 with serine.
Molecular consequence: missense variant.
Genome position (GRCh38, 1-based): chr3:130,565,407, G>A. VCF-style: chr3-130565407-G-A. GRCh37 (hg19) VCF-style: chr3-130284251-G-A.
Other names: short protein forms G359S.
Identifiers: ClinVar variation 4979894 (VCV004979894.1).

ClinVar aggregate classification (germline): Likely benign (1 of 4 stars; one submission).

Conditions:
COL6A6-related disorder. Also called: COL6A6-related condition.

gnomAD v4.1: 45 of 1,613,738 alleles (0.0028%); highest among the groups gnomAD compares: East Asian, 0.1%; no homozygotes.

Submission:

PreventionGenetics, part of Exact Sciences
Classification: Likely benign for COL6A6-related condition. Last evaluated: 2025-10-14. Review status: criteria provided, single submitter. Criteria: ACMG Guidelines, 2015. Collection method: clinical testing. Allele origin: germline.
Comment: This variant is classified as likely benign based on ACMG/AMP sequence variant interpretation guidelines (Richards et al. 2015 PMID: 25741868, with internal and published modifications).